The following is an entry in ClinVar:

ClinVar aggregate classification (germline): Uncertain significance (1 of 4 stars; one submission).

Submission:

Labcorp Genetics (formerly Invitae), Labcorp
Classification: Uncertain significance. Last evaluated: 2021-12-17. Review status: criteria provided, single submitter. Criteria: Invitae Variant Classification Sherloc (09022015). Collection method: clinical testing. Allele origin: germline.
Comment: In summary, the available evidence is currently insufficient to determine the role of this variant in disease. Therefore, it has been classified as a Variant of Uncertain Significance. Variants that disrupt the consensus splice site are a relatively common cause of aberrant splicing (PMID: 17576681, 9536098). Algorithms developed to predict the effect of sequence changes on RNA splicing suggest that this variant is not likely to affect RNA splicing. This variant has not been reported in the literature in individuals affected with ATP1A1-related conditions. This variant is not present in population databases (gnomAD no frequency). This sequence change falls in intron 17 of the ATP1A1 gene. It does not directly change the encoded amino acid sequence of the ATP1A1 protein. It affects a nucleotide within the consensus splice site.

Literature cited by the submitters: PubMed 17576681; PubMed 9536098.

NM_000701.8(ATP1A1):c.2449-3C>T

Genes: ATP1A1-AS1 (ATP1A1 antisense RNA 1; minus strand), ATP1A1 (ATPase Na+/K+ transporting subunit alpha 1; plus strand). Cytogenetic location: 1p13.1.
Variant type: single nucleotide variant.
Coding change: c.2449-3C>T on transcript NM_000701.8 (MANE Select); 3 bases into the intron before coding-DNA position 2449, C replaced by T.
Molecular consequence: intron variant.
Genome position (GRCh38, 1-based): chr1:116,399,417, C>T. VCF-style: chr1-116399417-C-T. GRCh37 (hg19) VCF-style: chr1-116942039-C-T.
Other names: c.2449-3C>T (NM_001160233.2); c.2356-3C>T (NM_001160234.2).
Identifiers: ClinVar variation 2044578 (VCV002044578.4), dbSNP rs879180654, ClinGen allele CA2580060863.